The following is an entry in ClinVar:

NM_198252.3(GSN):c.172C>T (p.Gln58Ter)

Gene: GSN (gelsolin; plus strand). Cytogenetic location: 9q33.2.
Variant type: single nucleotide variant.
Coding change: c.172C>T on transcript NM_198252.3 (MANE Select); coding-DNA position 172, C replaced by T.
Protein change: p.Gln58Ter; replaces glutamine 58 with a stop codon.
Molecular consequence: nonsense. On other transcripts: intron variant (1).
Genome position (GRCh38, 1-based): chr9:121,302,143, C>T. VCF-style: chr9-121302143-C-T. GRCh37 (hg19) VCF-style: chr9-124064421-C-T.
Other names: c.325C>T, p.Gln109Ter (NM_000177.5); c.172C>T, p.Gln58Ter (NM_001127662.2, NM_001127664.2, NM_001127665.2 and 10 more transcripts); c.280C>T, p.Gln94Ter (NM_001127663.2); c.205C>T, p.Gln69Ter (NM_001127666.2, NM_001127667.2, NM_001353063.2 and 13 more transcripts); c.223C>T, p.Gln75Ter (NM_001258029.2); c.196C>T, p.Gln66Ter (NM_001258030.2); c.244C>T, p.Gln82Ter (NM_001353076.2); c.-458-768C>T (NM_001353078.2); short protein forms Q58*, Q109*, Q66*, Q69*, Q82*, Q94*, Q75*.
Identifiers: ClinVar variation 4774021 (VCV004774021.1).

ClinVar aggregate classification (germline): Uncertain significance (1 of 4 stars; one submission).

gnomAD v4.1: 1 of 1,614,128 alleles (0.000062%); highest among the groups gnomAD compares: Non-Finnish European, 0.000085%; no homozygotes.

Submission:

Labcorp Genetics (formerly Invitae), Labcorp
Classification: Uncertain significance. Last evaluated: 2025-03-22. Review status: criteria provided, single submitter. Criteria: Invitae Variant Classification Sherloc (09022015). Collection method: clinical testing. Allele origin: germline.
Comment: This sequence change creates a premature translational stop signal (p.Gln109*) in the GSN gene. It is expected to result in an absent or disrupted protein product. However, the current clinical and genetic evidence is not sufficient to establish whether loss-of-function variants in GSN cause disease. This variant is present in population databases (no rsID available, gnomAD 0.0009%). This variant has not been reported in the literature in individuals affected with GSN-related conditions. In summary, the available evidence is currently insufficient to determine the role of this variant in disease. Therefore, it has been classified as a Variant of Uncertain Significance.